The following is an entry in ClinVar:

NM_001942.4(DSG1):c.1829C>A (p.Thr610Asn)

Genes: DSG1 (desmoglein 1; plus strand), DSG1-AS1 (DSG1 antisense RNA 1; minus strand). Cytogenetic location: 18q12.1.
Variant type: single nucleotide variant.
Coding change: c.1829C>A on transcript NM_001942.4 (MANE Select); coding-DNA position 1829, C replaced by A.
Protein change: p.Thr610Asn; replaces threonine 610 with asparagine.
Molecular consequence: missense variant.
Genome position (GRCh38, 1-based): chr18:31,343,933, C>A. VCF-style: chr18-31343933-C-A. GRCh37 (hg19) VCF-style: chr18-28923896-C-A.
Other names: short protein forms T610N.
Identifiers: ClinVar variation 2077700 (VCV002077700.5), dbSNP rs776380621, ClinGen allele CA402117527.

ClinVar aggregate classification (germline): Uncertain significance. Review status: criteria provided, multiple submitters, no conflicts (2 of 4 stars). 2 submissions from 2 submitters: Uncertain significance (2). Last evaluated 2025-09-01.

Conditions:
Inborn genetic diseases. Identifiers: MedGen C0950123, MeSH D030342.

gnomAD v4.1: 3 of 1,611,752 alleles (0.00019%); highest among the groups gnomAD compares: Non-Finnish European, 0.00025%; no homozygotes.

Submissions (2):

Labcorp Genetics (formerly Invitae), Labcorp
Classification: Uncertain significance. Last evaluated: 2025-09-01. Review status: criteria provided, single submitter. Criteria: Invitae Variant Classification Sherloc (09022015). Collection method: clinical testing. Allele origin: germline.
Comment: This sequence change replaces threonine, which is neutral and polar, with asparagine, which is neutral and polar, at codon 610 of the DSG1 protein (p.Thr610Asn). This variant is present in population databases (no rsID available, gnomAD 0.007%). This variant has not been reported in the literature in individuals affected with DSG1-related conditions. ClinVar contains an entry for this variant (Variation ID: 2077700). Invitae Evidence Modeling of protein sequence and biophysical properties (such as structural, functional, and spatial information, amino acid conservation, physicochemical variation, residue mobility, and thermodynamic stability) indicates that this missense variant is not expected to disrupt DSG1 protein function with a negative predictive value of 80%. In summary, the available evidence is currently insufficient to determine the role of this variant in disease. Therefore, it has been classified as a Variant of Uncertain Significance.

Ambry Genetics
Classification: Uncertain significance for Inborn genetic diseases. Last evaluated: 2022-05-27. Review status: criteria provided, single submitter. Criteria: Ambry Variant Classification Scheme 2023. Collection method: clinical testing. Allele origin: germline.